The following is an entry in ClinVar:

ClinVar aggregate classification (germline): Uncertain significance (1 of 4 stars; one submission).

Conditions:
Early Myoclonic Encephalopathy. Identifiers: MedGen C0270855.

Submission:

Labcorp Genetics (formerly Invitae), Labcorp
Classification: Uncertain significance for Early Myoclonic Encephalopathy. Last evaluated: 2025-08-30. Review status: criteria provided, single submitter. Criteria: Invitae Variant Classification Sherloc (09022015). Collection method: clinical testing. Allele origin: germline.
Comment: This sequence change replaces alanine, which is neutral and non-polar, with glycine, which is neutral and non-polar, at codon 18 of the JMJD1C protein (p.Ala18Gly). This variant is not present in population databases (gnomAD no frequency). This variant has not been reported in the literature in individuals affected with JMJD1C-related conditions. An algorithm developed to predict the effect of missense changes on protein structure and function (PolyPhen-2) suggests that this variant is likely to be tolerated. In summary, the available evidence is currently insufficient to determine the role of this variant in disease. Therefore, it has been classified as a Variant of Uncertain Significance.

NM_032776.3(JMJD1C):c.53C>G (p.Ala18Gly)

Genes: JMJD1C (jumonji domain containing 1C; minus strand), JMJD1C-AS1 (JMJD1C antisense RNA 1; plus strand). Cytogenetic location: 10q21.3.
Variant type: single nucleotide variant.
Coding change: c.53C>G on transcript NM_032776.3 (MANE Select); coding-DNA position 53, C replaced by G.
Protein change: p.Ala18Gly; replaces alanine 18 with glycine.
Molecular consequence: missense variant. On other transcripts: non-coding transcript variant (1), intron variant (2).
Genome position (GRCh38, 1-based): chr10:63,465,610, G>C on the plus strand (C>G on the coding strand, the complement: JMJD1C is on the minus strand). VCF-style: chr10-63465610-G-C. GRCh37 (hg19) VCF-style: chr10-65225370-G-C.
Other names: c.53C>G, p.Ala18Gly (NM_001322252.2); c.-384+56128C>G (NM_001322258.2); c.-379+56128C>G (NM_001318154.2); short protein forms A18G.
Identifiers: ClinVar variation 4806455 (VCV004806455.1).